The following is an entry in ClinVar:

ClinVar aggregate classification (germline): Uncertain significance. Review status: criteria provided, multiple submitters, no conflicts (2 of 4 stars). 3 submissions from 3 submitters: Uncertain significance (3). Last evaluated 2023-12-25.

Conditions:
Hereditary cancer-predisposing syndrome. Also called: Tumor predisposition; Hereditary Cancer Syndrome; Hereditary neoplastic syndrome; Neoplastic Syndromes, Hereditary. Identifiers: Orphanet 140162, MedGen C0027672, MeSH D009386, MONDO:0015356.
Breast-ovarian cancer, familial, susceptibility to, 4. Identifiers: Orphanet 145, MedGen C3280345, MONDO:0013669, OMIM 614291.

Submissions (3):

Baylor Genetics
Classification: Uncertain significance for Breast-ovarian cancer, familial, susceptibility to, 4. Last evaluated: 2023-12-25. Review status: criteria provided, single submitter. Criteria: ACMG Guidelines, 2015. Collection method: clinical testing. Allele origin: unknown.

Labcorp Genetics (formerly Invitae), Labcorp
Classification: Uncertain significance for Breast-ovarian cancer, familial, susceptibility to, 4. Last evaluated: 2023-02-07. Review status: criteria provided, single submitter. Criteria: Invitae Variant Classification Sherloc (09022015). Collection method: clinical testing. Allele origin: germline.
Comment: Advanced modeling of protein sequence and biophysical properties (such as structural, functional, and spatial information, amino acid conservation, physicochemical variation, residue mobility, and thermodynamic stability) performed at Invitae indicates that this missense variant is not expected to disrupt RAD51D protein function. Algorithms developed to predict the effect of sequence changes on RNA splicing suggest that this variant may create or strengthen a splice site. In summary, the available evidence is currently insufficient to determine the role of this variant in disease. Therefore, it has been classified as a Variant of Uncertain Significance. ClinVar contains an entry for this variant (Variation ID: 1471055). This sequence change replaces asparagine, which is neutral and polar, with lysine, which is basic and polar, at codon 67 of the RAD51D protein (p.Asn67Lys). This variant is not present in population databases (gnomAD no frequency). This variant has not been reported in the literature in individuals affected with RAD51D-related conditions.

Ambry Genetics
Classification: Uncertain significance for Hereditary cancer-predisposing syndrome. Last evaluated: 2022-11-08. Review status: criteria provided, single submitter. Criteria: Ambry Variant Classification Scheme 2023. Collection method: clinical testing. Allele origin: germline.
Comment: The p.N67K variant (also known as c.201T>G), located in coding exon 3 of the RAD51D gene, results from a T to G substitution at nucleotide position 201. The asparagine at codon 67 is replaced by lysine, an amino acid with similar properties. This amino acid position is well conserved in available vertebrate species. In addition, this alteration is predicted to be tolerated by in silico analysis. Since supporting evidence is limited at this time, the clinical significance of this alteration remains unclear.

NM_002878.4(RAD51D):c.201T>G (p.Asn67Lys)

Genes: RAD51L3-RFFL (RAD51L3-RFFL readthrough; minus strand), RAD51D (RAD51 paralog D; minus strand). Cytogenetic location: 17q12.
Variant type: single nucleotide variant.
Coding change: c.201T>G on transcript NM_002878.4 (MANE Select); coding-DNA position 201, T replaced by G.
Protein change: p.Asn67Lys; replaces asparagine 67 with lysine.
Molecular consequence: missense variant. On other transcripts: intron variant (2).
Genome position (GRCh38, 1-based): chr17:35,118,563, A>C on the plus strand (T>G on the coding strand, the complement: RAD51D is on the minus strand). VCF-style: chr17-35118563-A-C. GRCh37 (hg19) VCF-style: chr17-33445582-A-C.
Other names: c.201T>G (NM_002878.3); c.144+548T>G (NM_133629.3, NM_001142571.2); short protein forms N67K.
Identifiers: ClinVar variation 1471055 (VCV001471055.10), dbSNP rs2142474271, ClinGen allele CA399091374.